The following is an entry in ClinVar:

NM_004269.4(MED27):c.906C>G (p.Leu302=)

Gene: MED27 (mediator complex subunit 27; minus strand). Cytogenetic location: 9q34.13.
Variant type: single nucleotide variant.
Coding change: c.906C>G on transcript NM_004269.4 (MANE Select); coding-DNA position 906, C replaced by G.
Protein change: p.Leu302=; no amino-acid change (leucine 302 retained).
Molecular consequence: synonymous variant.
Genome position (GRCh38, 1-based): chr9:131,860,568, G>C on the plus strand (C>G on the coding strand, the complement: MED27 is on the minus strand). VCF-style: chr9-131860568-G-C. GRCh37 (hg19) VCF-style: chr9-134735955-G-C.
Other names: c.798C>G, p.Leu266= (NM_001253881.2).
Identifiers: ClinVar variation 3389763 (VCV003389763.14).
Genomic context (GRCh38, chr9:131,860,568, plus strand): 5'-TGGGGTCTGAGGCTGGGGCCAGCGTGGGGGCTACTGCCGGCAGGTGTCATGGAAGGCTTC[G>C]AGGGTTCGGAAATCCCTCCATGTCGGGGGAAGGCCGTCCTGCAGAAACTTCCCGCAGCGC-3'
Protein context (NP_004260.2, residues 292-311): LPPTWRDFRT[Leu302=]EAFHDTCRQ

ClinVar aggregate classification (germline): Likely benign (1 of 4 stars; one submission).

Submission:

CeGaT Center for Human Genetics Tuebingen
Classification: Likely benign. Last evaluated: 2024-09-01. Review status: criteria provided, single submitter. Criteria: CeGaT Center For Human Genetics Tuebingen Variant Classification Criteria Version 2. Collection method: clinical testing. Allele origin: germline. Affected: yes. Observed: 1 variant allele.
Comment: MED27: PM2:Supporting, BP4, BP7